The following is an entry in ClinVar:

NM_080605.4(B3GALT6):c.149C>A (p.Pro50His)

Gene: B3GALT6 (beta-1,3-galactosyltransferase 6; plus strand). Cytogenetic location: 1p36.33.
Variant type: single nucleotide variant.
Coding change: c.149C>A on transcript NM_080605.4 (MANE Select); coding-DNA position 149, C replaced by A.
Protein change: p.Pro50His; replaces proline 50 with histidine.
Molecular consequence: missense variant.
Genome position (GRCh38, 1-based): chr1:1,232,427, C>A. VCF-style: chr1-1232427-C-A. GRCh37 (hg19) VCF-style: chr1-1167807-C-A.
Other names: c.149C>A (NM_080605.3); short protein forms P50H.
Identifiers: ClinVar variation 1004515 (VCV001004515.8), dbSNP rs1156566104, ClinGen allele CA337822883.

ClinVar aggregate classification (germline): Uncertain significance. Review status: criteria provided, multiple submitters, no conflicts (2 of 4 stars). 4 submissions from 4 submitters: Uncertain significance (4). Last evaluated 2026-02-04.

Conditions:
Inborn genetic diseases. Identifiers: MedGen C0950123, MeSH D030342.
Spondyloepimetaphyseal dysplasia with joint laxity (SEMDJL). Identifiers: MedGen C0432243, MONDO:0019675.
Ehlers-Danlos syndrome, spondylodysplastic type, 2 (EDSSPD2). Also called: Ehlers-Danlos syndrome, progeroid type, 2. Identifiers: Orphanet 536467, Orphanet 75496, MedGen C3809210, MONDO:0014139, OMIM 615349.

Allele frequency attached by ClinVar (database versions not stated): gnomAD 0.00001 and 0.00007; TOPMed 0.00003; 1000 Genomes Project 30x 0.00016.

Submissions (4):

Women's Health and Genetics/Laboratory Corporation of America, LabCorp
Classification: Uncertain significance. Last evaluated: 2026-02-04. Review status: criteria provided, single submitter. Criteria: LabCorp Variant Classification Summary - May 2015. Collection method: clinical testing. Allele origin: germline.
Comment: Variant summary: B3GALT6 c.149C>A (p.Pro50His) results in a non-conservative amino acid change in the encoded protein sequence. Algorithms developed to predict the effect of missense changes on protein structure and function are either unavailable or do not agree on the potential impact of this missense change. The frequency data for this variant in gnomAD is considered unreliable, as metrics indicate poor data quality at this position. To our knowledge, no occurrence of c.149C>A in individuals affected with B3GALT6-related conditions and no experimental evidence demonstrating its impact on protein function have been reported. ClinVar contains an entry for this variant (Variation ID: 1004515). Based on the evidence outlined above, the variant was classified as uncertain significance.

Ambry Genetics
Classification: Uncertain significance for Inborn genetic diseases. Last evaluated: 2024-09-30. Review status: criteria provided, single submitter. Criteria: Ambry Variant Classification Scheme 2023. Collection method: clinical testing. Allele origin: germline.

GeneDx
Classification: Uncertain significance. Last evaluated: 2023-05-11. Review status: criteria provided, single submitter. Criteria: GeneDx Variant Classification Process June 2021. Collection method: clinical testing. Allele origin: germline. Affected: yes.
Comment: Has not been previously published as pathogenic or benign to our knowledge; Not observed at significant frequency in large population cohorts (gnomAD); In silico analysis supports that this missense variant does not alter protein structure/function

Labcorp Genetics (formerly Invitae), Labcorp
Classification: Uncertain significance for Ehlers-Danlos syndrome, spondylodysplastic type, 2; Spondyloepimetaphyseal dysplasia with joint laxity. Last evaluated: 2022-03-07. Review status: criteria provided, single submitter. Criteria: Invitae Variant Classification Sherloc (09022015). Collection method: clinical testing. Allele origin: germline.
Comment: This sequence change replaces proline, which is neutral and non-polar, with histidine, which is basic and polar, at codon 50 of the B3GALT6 protein (p.Pro50His). The frequency data for this variant in the population databases is considered unreliable, as metrics indicate insufficient coverage at this position in the gnomAD database. This variant has not been reported in the literature in individuals affected with B3GALT6-related conditions. ClinVar contains an entry for this variant (Variation ID: 1004515). Algorithms developed to predict the effect of missense changes on protein structure and function are either unavailable or do not agree on the potential impact of this missense change (SIFT: "Tolerated"; PolyPhen-2: "Possibly Damaging"; Align-GVGD: "Class C0"). In summary, the available evidence is currently insufficient to determine the role of this variant in disease. Therefore, it has been classified as a Variant of Uncertain Significance.